The following is an entry in ClinVar:

ClinVar aggregate classification (germline): Uncertain significance (1 of 4 stars; one submission).

Conditions:
Familial sleep-related hypermotor epilepsy. Also called: Autosomal Dominant Sleep-Related Hypermotor (Hyperkinetic) Epilepsy. Identifiers: Orphanet 98784, MedGen C3696898, MONDO:0000030.

Submission:

Labcorp Genetics (formerly Invitae), Labcorp
Classification: Uncertain significance. Last evaluated: 2023-07-13. Review status: criteria provided, single submitter. Criteria: Invitae Variant Classification Sherloc (09022015). Collection method: clinical testing. Allele origin: germline.
Comment: In summary, the available evidence is currently insufficient to determine the role of this variant in disease. Therefore, it has been classified as a Variant of Uncertain Significance. Advanced modeling of protein sequence and biophysical properties (such as structural, functional, and spatial information, amino acid conservation, physicochemical variation, residue mobility, and thermodynamic stability) performed at Invitae indicates that this missense variant is not expected to disrupt CHRNB2 protein function. This variant has not been reported in the literature in individuals affected with CHRNB2-related conditions. This variant is not present in population databases (gnomAD no frequency). This sequence change replaces leucine, which is neutral and non-polar, with phenylalanine, which is neutral and non-polar, at codon 492 of the CHRNB2 protein (p.Leu492Phe).

NM_000748.3(CHRNB2):c.1474C>T (p.Leu492Phe)

Gene: CHRNB2 (cholinergic receptor nicotinic beta 2 subunit; plus strand). Cytogenetic location: 1q21.3.
Variant type: single nucleotide variant.
Coding change: c.1474C>T on transcript NM_000748.3 (MANE Select); coding-DNA position 1474, C replaced by T.
Protein change: p.Leu492Phe; replaces leucine 492 with phenylalanine.
Molecular consequence: missense variant.
Genome position (GRCh38, 1-based): chr1:154,575,897, C>T. VCF-style: chr1-154575897-C-T. GRCh37 (hg19) VCF-style: chr1-154548373-C-T.
Other names: short protein forms L492F.
Identifiers: ClinVar variation 2905840 (VCV002905840.3), dbSNP rs2526384743, ClinGen allele CA342633261.